The following is an entry in ClinVar:

ClinVar aggregate classification (germline): Uncertain significance (1 of 4 stars; one submission).

Conditions:
RASopathy. Also called: rasopathies; Noonan spectrum disorder. Identifiers: Orphanet 536391, MedGen C5555857, MONDO:0021060.

Submission:

Labcorp Genetics (formerly Invitae), Labcorp
Classification: Uncertain significance for RASopathy. Last evaluated: 2022-07-29. Review status: criteria provided, single submitter. Criteria: Invitae Variant Classification Sherloc (09022015). Collection method: clinical testing. Allele origin: germline.
Comment: In summary, the available evidence is currently insufficient to determine the role of this variant in disease. Therefore, it has been classified as a Variant of Uncertain Significance. Advanced modeling of protein sequence and biophysical properties (such as structural, functional, and spatial information, amino acid conservation, physicochemical variation, residue mobility, and thermodynamic stability) performed at Invitae indicates that this missense variant is not expected to disrupt BRAF protein function. This sequence change replaces asparagine, which is neutral and polar, with threonine, which is neutral and polar, at codon 148 of the BRAF protein (p.Asn148Thr). This variant is not present in population databases (gnomAD no frequency). This variant has not been reported in the literature in individuals affected with BRAF-related conditions.

NM_004333.6(BRAF):c.443A>C (p.Asn148Thr)

Gene: BRAF (B-Raf proto-oncogene, serine/threonine kinase; minus strand). Cytogenetic location: 7q34.
Variant type: single nucleotide variant.
Coding change: c.443A>C on transcript NM_004333.6 (MANE Select); coding-DNA position 443, A replaced by C.
Protein change: p.Asn148Thr; replaces asparagine 148 with threonine.
Molecular consequence: missense variant. On other transcripts: intron variant (1).
Genome position (GRCh38, 1-based): chr7:140,834,670, T>G on the plus strand (A>C on the coding strand, the complement: BRAF is on the minus strand). VCF-style: chr7-140834670-T-G. GRCh37 (hg19) VCF-style: chr7-140534470-T-G.
Other names: c.443A>C, p.Asn148Thr (NM_001354609.2, NM_001374244.1, NM_001374258.1 and 5 more transcripts); c.341A>C, p.Asn114Thr (NM_001378470.1); c.287A>C, p.Asn96Thr (NM_001378472.1, NM_001378473.1); c.240+15441A>C (NM_001378475.1); short protein forms N114T, N148T, N96T.
Identifiers: ClinVar variation 1714153 (VCV001714153.5), dbSNP rs773266363, ClinGen allele CA369593543.
Genomic context (GRCh38, chr7:140,834,670, plus strand): 5'-ACTGTCCTCTGTTTGTTGGGCAGGAAGACTCTAACGATAGGTTTTTGTGGTGACTTGGGG[T>G]TGCTCCGTGCCACATCTGTGGGATTTTGAAAAACTGAAAGAGATGAAGGTAGCACTGAAA-3'
Protein context (NP_004324.2, residues 138-158): FQNPTDVARS[Asn148Thr]PKSPQKPIVR